The following is an entry in ClinVar:

NM_000078.3(CETP):c.538A>T (p.Ile180Phe)

Gene: CETP (cholesteryl ester transfer protein; plus strand). Cytogenetic location: 16q13.
Variant type: single nucleotide variant.
Coding change: c.538A>T on transcript NM_000078.3 (MANE Select); coding-DNA position 538, A replaced by T.
Protein change: p.Ile180Phe; replaces isoleucine 180 with phenylalanine.
Molecular consequence: missense variant.
Genome position (GRCh38, 1-based): chr16:56,971,043, A>T. VCF-style: chr16-56971043-A-T. GRCh37 (hg19) VCF-style: chr16-57004955-A-T.
Other names: c.538A>T, p.Ile180Phe (NM_001286085.2); short protein forms I180F.
Identifiers: ClinVar variation 3613029 (VCV003613029.2).
Genomic context (GRCh38, chr16:56,971,043, plus strand): 5'-TGGATGCACAGGACTGGTCAGGGGCTCATTGTGGTGCTTGCTGCCTTCAGGCCTGGGTGG[A>T]TCAAGCAGCTGTTCACAAATTTCATCTCCTTCACCCTGAAGCTGGTCCTGAAGGGACAGG-3'
Protein context (NP_000069.2, residues 170-190): HLQGEREPGW[Ile180Phe]KQLFTNFISF

ClinVar aggregate classification (germline): Uncertain significance (1 of 4 stars; one submission).

gnomAD v4.1: 14 of 1,614,002 alleles (0.00087%); highest among the groups gnomAD compares: Admixed American, 0.005%; no homozygotes.

Submission:

Labcorp Genetics (formerly Invitae), Labcorp
Classification: Uncertain significance. Last evaluated: 2025-12-23. Review status: criteria provided, single submitter. Criteria: Invitae Variant Classification Sherloc (09022015). Collection method: clinical testing. Allele origin: germline.
Comment: This sequence change replaces isoleucine, which is neutral and non-polar, with phenylalanine, which is neutral and non-polar, at codon 180 of the CETP protein (p.Ile180Phe). This variant is present in population databases (rs757640381, gnomAD 0.006%). This variant has not been reported in the literature in individuals affected with CETP-related conditions. ClinVar contains an entry for this variant (Variation ID: 3613029). Invitae Evidence Modeling of protein sequence and biophysical properties (such as structural, functional, and spatial information, amino acid conservation, physicochemical variation, residue mobility, and thermodynamic stability) has been performed for this missense variant. However, the output from this modeling did not meet the statistical confidence thresholds required to predict the impact of this variant on CETP protein function. Algorithms developed to predict the effect of sequence changes on RNA splicing suggest that this variant may disrupt the consensus splice site. In summary, the available evidence is currently insufficient to determine the role of this variant in disease. Therefore, it has been classified as a Variant of Uncertain Significance.